The following is an entry in ClinVar:

ClinVar aggregate classification (germline): Uncertain significance (1 of 4 stars; one submission).

Conditions:
Aldosterone-producing adenoma with seizures and neurological abnormalities. Also called: Primary aldosteronism, seizures, and neurologic abnormalities. Identifiers: Orphanet 369929, MedGen C3809609, MONDO:0014200, OMIM 615474.

Submission:

MVZ Medizinische Genetik Mainz
Classification: Uncertain significance for Aldosterone-producing adenoma with seizures and neurological abnormalities. Last evaluated: 2023-02-03. Review status: criteria provided, single submitter. Criteria: UK Practice Guidelines For Variant Classification V4 01 2020. Collection method: clinical testing. Allele origin: germline. Inheritance: Autosomal dominant inheritance. Affected: yes. Observed: 1 variant allele.
Comment: ACMG Criteria: PM2_SUP,PP2,PP3

NM_001128840.3(CACNA1D):c.1834C>A (p.Pro612Thr)

Gene: CACNA1D (calcium voltage-gated channel subunit alpha1 D; plus strand). Cytogenetic location: 3p21.1.
Variant type: single nucleotide variant.
Coding change: c.1834C>A on transcript NM_001128840.3 (MANE Select); coding-DNA position 1834, C replaced by A.
Protein change: p.Pro612Thr; replaces proline 612 with threonine.
Molecular consequence: missense variant.
Genome position (GRCh38, 1-based): chr3:53,723,601, C>A. VCF-style: chr3-53723601-C-A. GRCh37 (hg19) VCF-style: chr3-53757628-C-A.
Other names: c.1894C>A, p.Pro632Thr (NM_000720.4); c.1834C>A, p.Pro612Thr (NM_001128839.3); short protein forms P612T, P632T.
Identifiers: ClinVar variation 3235210 (VCV003235210.1), dbSNP rs1281159662.